The following is an entry in ClinVar:

ClinVar aggregate classification (germline): Pathogenic. Review status: criteria provided, multiple submitters, no conflicts (2 of 4 stars). 2 submissions from 2 submitters: Pathogenic (2). Last evaluated 2026-01-24.

Conditions:
Orofaciodigital syndrome type 6 (OFD6). Also called: OROFACIODIGITAL SYNDROME VI; OFDS VI; POLYDACTYLY, CLEFT LIP/PALATE OR LINGUAL LUMP, AND PSYCHOMOTOR RETARDATION; VARADI SYNDROME; VARADI-PAPP SYNDROME; Oral-facial-digital syndrome type 6. Identifiers: Orphanet 2754, MedGen C2745997, MONDO:0010176, OMIM 277170.
Joubert syndrome 17 (JBTS17). Identifiers: Orphanet 475, MedGen C3553264, MONDO:0013824, OMIM 614615.

Allele frequency attached by ClinVar (database versions not stated): gnomAD exomes below 0.00001.

Submissions (2):

Labcorp Genetics (formerly Invitae), Labcorp
Classification: Pathogenic. Last evaluated: 2026-01-24. Review status: criteria provided, single submitter. Criteria: Invitae Variant Classification Sherloc (09022015). Collection method: clinical testing. Allele origin: germline.
Comment: This sequence change creates a premature translational stop signal (p.Lys303Glufs*10) in the CPLANE1 gene. It is expected to result in an absent or disrupted protein product. Loss-of-function variants in CPLANE1 are known to be pathogenic (PMID: 24178751, 26092869). This variant is not present in population databases (gnomAD no frequency). This variant has not been reported in the literature in individuals affected with CPLANE1-related conditions. ClinVar contains an entry for this variant (Variation ID: 569663). For these reasons, this variant has been classified as Pathogenic.

Juno Genomics, Hangzhou Juno Genomics, Inc
Classification: Pathogenic for Joubert syndrome 17; Orofaciodigital syndrome type 6. Review status: criteria provided, single submitter. Criteria: ACMG Guidelines, 2015. Collection method: clinical testing. Allele origin: germline. Affected: yes.
Comment: Absent from controls (or at extremely low frequency if recessive) in Genome Aggregation Database, Exome Sequencing Project, 1000 Genomes Project, or Exome Aggregation Consortium.;Null variant in a gene where loss of function (LOF) is a known mechanism of disease.;Patient's phenotype or family history is highly specific for a disease with a single genetic etiology.

Literature cited by the submitters: PubMed 24178751 (cited by Labcorp Genetics (formerly Invitae), Labcorp); PubMed 26092869 (cited by Labcorp Genetics (formerly Invitae), Labcorp).

NM_001384732.1(CPLANE1):c.907_908del (p.Lys303fs)

Gene: CPLANE1 (ciliogenesis and planar polarity effector complex subunit 1; minus strand). Cytogenetic location: 5p13.2.
Variant type: Deletion.
Coding change: c.907_908del on transcript NM_001384732.1 (MANE Select); coding-DNA positions 907 to 908, 2 bases deleted (AA; older notation c.907_908delAA).
Protein change: p.Lys303fs; shifts the reading frame from lysine 303.
Molecular consequence: frameshift variant.
Genome position (GRCh38, 1-based): chr5:37,238,887-37,238,888, TT deleted on the plus strand (AA on the coding strand, the reverse complement: CPLANE1 is on the minus strand). VCF-style (leftmost placement, unchanged base first): chr5-37238886-CTT-C. GRCh37 (hg19) VCF-style: chr5-37238988-CTT-C.
Other names: c.907_908del, p.Lys303fs (NM_023073.4); c.907_908delAA (NM_023073.3); short protein forms K303fs.
Identifiers: ClinVar variation 569663 (VCV000569663.10), dbSNP rs1187142382, ClinGen allele CA810311662.